The following is an entry in ClinVar:

NM_001042492.3(NF1):c.7389T>C (p.Leu2463=)

Gene: NF1 (neurofibromin 1; plus strand). Cytogenetic location: 17q11.2.
Variant type: single nucleotide variant.
Coding change: c.7389T>C on transcript NM_001042492.3 (MANE Select); coding-DNA position 7389, T replaced by C.
Protein change: p.Leu2463=; no amino-acid change (leucine 2463 retained).
Molecular consequence: synonymous variant.
Genome position (GRCh38, 1-based): chr17:31,350,250, T>C. VCF-style: chr17-31350250-T-C. GRCh37 (hg19) VCF-style: chr17-29677268-T-C.
Other names: c.7326T>C, p.Leu2442= (NM_000267.4).
Identifiers: ClinVar variation 1143009 (VCV001143009.10), dbSNP rs1032859497, ClinGen allele CA289401729.
Genomic context (GRCh38, chr17:31,350,250, plus strand): 5'-TACAGTGTCTGAAGAAGTTCGAAGTCGCTGCAGCCTAAAACATAGAAAGTCACTTCTTCT[T>C]ACTGATATTTCAATGGAAAATGTTCCTATGGATACATATCCCATTCATCATGGTGACCCT-3'
Protein context (NP_001035957.1, residues 2453-2473): CSLKHRKSLL[Leu2463=]TDISMENVPM

ClinVar aggregate classification (germline): Benign/Likely benign. Review status: criteria provided, multiple submitters, no conflicts (2 of 4 stars). 3 submissions from 3 submitters: Benign (1); Likely benign (2). Last evaluated 2026-09-29.

Conditions:
Neurofibromatosis, type 1 (NF1). Also called: Neurofibromatosis, type I; VON RECKLINGHAUSEN DISEASE; Peripheral type neurofibromatosis; NEUROFIBROMATOSIS, TYPE I, SOMATIC. Identifiers: Orphanet 636, MedGen C0027831, MONDO:0018975, OMIM 162200. Disease mechanism: loss of function.
Cardiovascular phenotype. Identifiers: MedGen CN230736.
Hereditary cancer-predisposing syndrome. Also called: Hereditary Cancer Syndrome; Hereditary neoplastic syndrome; Neoplastic Syndromes, Hereditary; Tumor predisposition. Identifiers: Orphanet 140162, MedGen C0027672, MeSH D009386, MONDO:0015356.

Allele frequency attached by ClinVar (database versions not stated): gnomAD exomes below 0.00001.
gnomAD v4.1: 2 of 1,613,710 alleles (0.00012%); highest among the groups gnomAD compares: Non-Finnish European, 0.00017%; no homozygotes.

Submissions (3):

Myriad Genetics, Inc.
Classification: Benign for Neurofibromatosis, type 1. Last evaluated: 2026-09-29. Review status: criteria provided, single submitter. Criteria: Myriad Autosomal Dominant, Autosomal Recessive and X-Linked Classification Criteria (2023). Collection method: clinical testing. Allele origin: unknown.
Comment: This variant is considered benign. This variant is a silent/synonymous amino acid change and it is not expected to impact splicing.

Labcorp Genetics (formerly Invitae), Labcorp
Classification: Likely benign for Neurofibromatosis, type 1. Last evaluated: 2024-04-17. Review status: criteria provided, single submitter. Criteria: Invitae Variant Classification Sherloc (09022015). Collection method: clinical testing. Allele origin: germline.

Ambry Genetics
Classification: Likely benign for Cardiovascular phenotype; Hereditary cancer-predisposing syndrome. Last evaluated: 2020-05-11. Review status: criteria provided, single submitter. Criteria: Ambry Variant Classification Scheme 2023. Collection method: clinical testing. Allele origin: germline.